The following is an entry in ClinVar:

NM_001458.5(FLNC):c.5001G>A (p.Thr1667=)

Gene: FLNC (filamin C; plus strand). Cytogenetic location: 7q32.1.
Variant type: single nucleotide variant.
Coding change: c.5001G>A on transcript NM_001458.5 (MANE Select); coding-DNA position 5001, G replaced by A.
Protein change: p.Thr1667=; no amino-acid change (threonine 1667 retained).
Molecular consequence: synonymous variant.
Genome position (GRCh38, 1-based): chr7:128,849,380, G>A. VCF-style: chr7-128849380-G-A. GRCh37 (hg19) VCF-style: chr7-128489434-G-A.
Other names: c.5001G>A, p.Thr1667= (NM_001127487.2).
Identifiers: ClinVar variation 733044 (VCV000733044.37), dbSNP rs370711488, ClinGen allele CA4475539.

ClinVar aggregate classification (germline): Likely benign. Review status: criteria provided, multiple submitters, no conflicts (2 of 4 stars). 5 submissions from 5 submitters: Likely benign (5). Last evaluated 2025-06-04.

Conditions:
Cardiovascular phenotype. Identifiers: MedGen CN230736.
Distal myopathy with posterior leg and anterior hand involvement. Also called: WILLIAMS DISTAL MYOPATHY. Identifiers: Orphanet 63273, MedGen C3279722, MONDO:0013550, OMIM 614065.
Hypertrophic cardiomyopathy 26. Also called: Cardiomyopathy, familial hypertrophic, 26. Identifiers: Orphanet 75249, MedGen C4310749, MONDO:0014883, OMIM 617047.
Myofibrillar myopathy 5. Also called: Filaminopathy (type); FILAMINOPATHY, AUTOSOMAL DOMINANT. Identifiers: Orphanet 171445, MedGen C1836050, MONDO:0012289, OMIM 609524.

Allele frequency attached by ClinVar (database versions not stated): ExAC 0.00001; gnomAD 0.00003; TOPMed 0.00003; ESP Exome Variant Server 0.00008.
gnomAD v4.1: 28 of 1,614,022 alleles (0.0017%); highest among the groups gnomAD compares: Admixed American, 0.0033%; no homozygotes.

Submissions (5):

Labcorp Genetics (formerly Invitae), Labcorp
Classification: Likely benign for Distal myopathy with posterior leg and anterior hand involvement; Myofibrillar myopathy 5; Hypertrophic cardiomyopathy 26. Last evaluated: 2025-06-04. Review status: criteria provided, single submitter. Criteria: Invitae Variant Classification Sherloc (09022015). Collection method: clinical testing. Allele origin: germline.

Women's Health and Genetics/Laboratory Corporation of America, LabCorp
Classification: Likely benign. Last evaluated: 2025-03-17. Review status: criteria provided, single submitter. Criteria: LabCorp Variant Classification Summary - May 2015. Collection method: clinical testing. Allele origin: germline.
Comment: Variant summary: FLNC c.5001G>A results in a synonymous change. Consensus agreement among computation tools predict no significant impact on normal splicing. However, these predictions have yet to be confirmed by functional studies. The variant allele was found at a frequency of 8e-06 in 249324 control chromosomes (gnomAD). The available data on variant occurrences in the general population are insufficient to allow any conclusion about variant significance. To our knowledge, no occurrence of c.5001G>A in individuals affected with Dilated Cardiomyopathy and no experimental evidence demonstrating its impact on protein function have been reported. ClinVar contains an entry for this variant (Variation ID: 733044). Based on the evidence outlined above, the variant was classified as likely benign.

CeGaT Center for Human Genetics Tuebingen
Classification: Likely benign. Last evaluated: 2023-12-01. Review status: criteria provided, single submitter. Criteria: CeGaT Center For Human Genetics Tuebingen Variant Classification Criteria Version 2. Collection method: clinical testing. Allele origin: germline. Affected: yes. Observed: 1 variant allele.
Comment: FLNC: BP4, BP7

Blueprint Genetics
Classification: Likely benign. Last evaluated: 2023-03-23. Review status: criteria provided, single submitter. Criteria: ACMG Guidelines, 2015. Collection method: clinical testing. Allele origin: germline.

Ambry Genetics
Classification: Likely benign for Cardiovascular phenotype. Last evaluated: 2021-01-27. Review status: criteria provided, single submitter. Criteria: Ambry Variant Classification Scheme 2023. Collection method: clinical testing. Allele origin: germline.